The following is an entry in ClinVar:

NM_206809.4(MOG):c.730+65A>G

Gene: MOG (myelin oligodendrocyte glycoprotein; plus strand). Cytogenetic location: 6p22.1.
Variant type: single nucleotide variant.
Coding change: c.730+65A>G on transcript NM_206809.4 (MANE Select); 65 bases into the intron after coding-DNA position 730, A replaced by G.
Molecular consequence: intron variant. On other transcripts: synonymous variant (1).
Genome position (GRCh38, 1-based): chr6:29,670,786, A>G. VCF-style: chr6-29670786-A-G. GRCh37 (hg19) VCF-style: chr6-29638563-A-G.
Other names: c.795A>G, p.Thr265= (NM_001363610.2); c.661+65A>G (NM_001008228.3, NM_206811.4); c.730+65A>G (NM_002433.5); c.613+65A>G (NM_206812.4, NM_206810.4); c.593-636A>G (NM_001008229.3); c.313+65A>G (NM_001170418.2); c.382+65A>G (NM_206814.6).
Identifiers: ClinVar variation 3033947 (VCV003033947.3), dbSNP rs370604035, ClinGen allele CA3690590.

ClinVar aggregate classification (germline): Likely benign. Review status: criteria provided, single submitter (1 of 4 stars). 2 submissions from 2 submitters: Likely benign (1). 1 of the submissions does not count toward it. Last evaluated 2023-02-22.

Conditions:
MOG-related disorder. Also called: MOG-related condition.

Allele frequency attached by ClinVar (database versions not stated): gnomAD exomes 0.00123; 1000 Genomes Project 30x 0.00125; 1000 Genomes Project 0.00140; gnomAD 0.00220; TOPMed 0.00232; ExAC 0.00251.
gnomAD v4.1: 2,154 of 1,601,004 alleles (0.13%); highest among the groups gnomAD compares: Middle Eastern, 1.2%; 13 homozygotes.

Submissions (2):

Blueprint Genetics
Classification: Likely benign. Last evaluated: 2023-02-22. Review status: criteria provided, single submitter. Criteria: ACMG Guidelines, 2015. Collection method: clinical testing. Allele origin: germline.

PreventionGenetics, part of Exact Sciences
Classification: Likely benign for MOG-related condition. Last evaluated: 2020-05-15. Review status: no assertion criteria provided. Collection method: clinical testing. Allele origin: germline. Not counted in ClinVar's aggregate classification.
Comment: This variant is classified as likely benign based on ACMG/AMP sequence variant interpretation guidelines (Richards et al. 2015 PMID: 25741868, with internal and published modifications).